The following is an entry in ClinVar:

NM_031206.7(LAS1L):c.1705A>G (p.Lys569Glu)

Gene: LAS1L (LAS1 like ribosome biogenesis factor; minus strand). Cytogenetic location: Xq12.
Variant type: single nucleotide variant.
Coding change: c.1705A>G on transcript NM_031206.7 (MANE Select); coding-DNA position 1705, A replaced by G.
Protein change: p.Lys569Glu; replaces lysine 569 with glutamic acid.
Molecular consequence: missense variant. On other transcripts: non-coding transcript variant (1).
Genome position (GRCh38, 1-based): chrX:65,518,209, T>C on the plus strand (A>G on the coding strand, the complement: LAS1L is on the minus strand). VCF-style: chrX-65518209-T-C. GRCh37 (hg19) VCF-style: chrX-64738089-T-C.
Other names: c.1654A>G, p.Lys552Glu (NM_001170649.2, NM_001375333.1); c.1528A>G, p.Lys510Glu (NM_001170650.2); c.1705A>G, p.Lys569Glu (NM_001375328.1); c.748A>G, p.Lys250Glu (NM_001375332.1); short protein forms K552E, K510E, K569E, K250E.
Identifiers: ClinVar variation 649903 (VCV000649903.11), dbSNP rs1006077682, ClinGen allele CA329965313.

ClinVar aggregate classification (germline): Uncertain significance. Review status: criteria provided, multiple submitters, no conflicts (2 of 4 stars). 2 submissions from 2 submitters: Uncertain significance (2). Last evaluated 2025-04-11.

Conditions:
Wilson-Turner syndrome (WTS). Also called: MENTAL RETARDATION, X-LINKED, SYNDROMIC 6; INTELLECTUAL DEVELOPMENTAL DISORDER, X-LINKED, SYNDROMIC, WILSON-TURNER TYPE. Identifiers: Orphanet 3459, MedGen C1839736, MONDO:0010665, OMIM 309585.

Allele frequency attached by ClinVar (database versions not stated): gnomAD exomes 0.00001; gnomAD 0.00008 and 0.00010; TOPMed 0.00023.
gnomAD v4.1: 20 of 1,209,564 alleles (0.0017%); highest among the groups gnomAD compares: Admixed American, 0.031%; no homozygotes.

Submissions (2):

Ambry Genetics
Classification: Uncertain significance. Last evaluated: 2025-04-11. Review status: criteria provided, single submitter. Criteria: Ambry Variant Classification Scheme 2023. Collection method: clinical testing. Allele origin: germline.

Labcorp Genetics (formerly Invitae), Labcorp
Classification: Uncertain significance for Wilson-Turner syndrome. Last evaluated: 2022-10-14. Review status: criteria provided, single submitter. Criteria: Invitae Variant Classification Sherloc (09022015). Collection method: clinical testing. Allele origin: germline.
Comment: In summary, the available evidence is currently insufficient to determine the role of this variant in disease. Therefore, it has been classified as a Variant of Uncertain Significance. Advanced modeling of protein sequence and biophysical properties (such as structural, functional, and spatial information, amino acid conservation, physicochemical variation, residue mobility, and thermodynamic stability) performed at Invitae indicates that this missense variant is not expected to disrupt LAS1L protein function. ClinVar contains an entry for this variant (Variation ID: 649903). This variant has not been reported in the literature in individuals affected with LAS1L-related conditions. This variant is not present in population databases (gnomAD no frequency). This sequence change replaces lysine, which is basic and polar, with glutamic acid, which is acidic and polar, at codon 569 of the LAS1L protein (p.Lys569Glu).